The following is an entry in ClinVar:

ClinVar aggregate classification (germline): Likely benign. Review status: criteria provided, multiple submitters, no conflicts (2 of 4 stars). 3 submissions from 3 submitters: Likely benign (2). 1 of the submissions does not count toward it. Last evaluated 2024-02-24.

Conditions:
MYO18B-related disorder. Also called: MYO18B-related condition.

gnomAD v4.1: 1 of 1,604,404 alleles (0.000062%); no homozygotes.

Submissions (3):

Labcorp Genetics (formerly Invitae), Labcorp
Classification: Likely benign. Last evaluated: 2024-02-24. Review status: criteria provided, single submitter. Criteria: Invitae Variant Classification Sherloc (09022015). Collection method: clinical testing. Allele origin: germline.

Blueprint Genetics
Classification: Likely benign. Last evaluated: 2023-10-18. Review status: criteria provided, single submitter. Criteria: ACMG Guidelines, 2015. Collection method: clinical testing. Allele origin: germline.

PreventionGenetics, part of Exact Sciences
Classification: Likely benign for MYO18B-related condition. Last evaluated: 2019-04-16. Review status: no assertion criteria provided. Collection method: clinical testing. Allele origin: germline. Not counted in ClinVar's aggregate classification.
Comment: This variant is classified as likely benign based on ACMG/AMP sequence variant interpretation guidelines (Richards et al. 2015 PMID: 25741868, with internal and published modifications).

NM_032608.7(MYO18B):c.4956G>A (p.Glu1652=)

Gene: MYO18B (myosin XVIIIB; plus strand). Cytogenetic location: 22q12.1.
Variant type: single nucleotide variant.
Coding change: c.4956G>A on transcript NM_032608.7 (MANE Select); coding-DNA position 4956, G replaced by A.
Protein change: p.Glu1652=; no amino-acid change (glutamic acid 1652 retained).
Molecular consequence: synonymous variant.
Genome position (GRCh38, 1-based): chr22:25,903,639, G>A. VCF-style: chr22-25903639-G-A. GRCh37 (hg19) VCF-style: chr22-26299606-G-A.
Other names: c.4959G>A, p.Glu1653= (NM_001318245.2); c.4956G>A (NM_032608.6).
Identifiers: ClinVar variation 1513332 (VCV001513332.11), dbSNP rs2146348017, ClinGen allele CA513915490.
Genomic context (GRCh38, chr22:25,903,639, plus strand): 5'-GAGGGAGGCATACTCATGTGACTCCAGATCTCTGTCCTCTTTGTCTCTGTAGCAAAAGGA[G>A]CAGGAAGCCTCACAGCTGAAGCAGCAGGTGGAGATGCTACAGGACCATAAACGGGAGCTG-3'
Protein context (NP_115997.5, residues 1642-1662): GQLQQQLKQK[Glu1652=]QEASQLKQQV